The following is an entry in ClinVar:

ClinVar aggregate classification (germline): Likely benign. Review status: criteria provided, multiple submitters, no conflicts (2 of 4 stars). 5 submissions from 5 submitters: Likely benign (4). 1 of the submissions does not count toward it. Last evaluated 2026-09-01.

Conditions:
Neuromuscular disease caused by qualitative or quantitative defects of dysferlin. Also called: Dysferlinopathy; Qualitative or quantitative defects of dysferlin. Identifiers: Orphanet 207073, MedGen C2931687, MONDO:0016145.
DYSF-related disorder. Also called: DYSF-related condition; DYSF-related disorders.

Allele frequency attached by ClinVar (database versions not stated): gnomAD exomes 0.00009 and 0.00015; TOPMed 0.00010; ExAC 0.00013; ESP Exome Variant Server 0.00015; gnomAD 0.00073.
gnomAD v4.1: 168 of 1,614,152 alleles (0.01%); highest among the groups gnomAD compares: Non-Finnish European, 0.0097%; 1 homozygote.

Submissions (5):

CeGaT Center for Human Genetics Tuebingen
Classification: Likely benign. Last evaluated: 2026-09-01. Review status: criteria provided, single submitter. Criteria: CeGaT Center For Human Genetics Tuebingen Variant Classification Criteria Version 2. Collection method: clinical testing. Allele origin: germline. Affected: yes. Observed: 1 variant allele.
Comment: DYSF: BP4, BP7

Labcorp Genetics (formerly Invitae), Labcorp
Classification: Likely benign for Neuromuscular disease caused by qualitative or quantitative defects of dysferlin. Last evaluated: 2026-01-26. Review status: criteria provided, single submitter. Criteria: Invitae Variant Classification Sherloc (09022015). Collection method: clinical testing. Allele origin: germline.

Blueprint Genetics
Classification: Likely benign. Last evaluated: 2024-09-11. Review status: criteria provided, single submitter. Criteria: ACMG Guidelines, 2015. Collection method: clinical testing. Allele origin: germline.

GeneDx
Classification: Likely benign. Last evaluated: 2017-07-20. Review status: criteria provided, single submitter. Criteria: GeneDx Variant Classification (06012015). Collection method: clinical testing. Allele origin: germline. Affected: yes.
Comment: This variant is considered likely benign or benign based on one or more of the following criteria: it is a conservative change, it occurs at a poorly conserved position in the protein, it is predicted to be benign by multiple in silico algorithms, and/or has population frequency not consistent with disease.

PreventionGenetics, part of Exact Sciences
Classification: Likely benign for DYSF-related condition. Last evaluated: 2024-08-12. Review status: no assertion criteria provided. Collection method: clinical testing. Allele origin: germline. Not counted in ClinVar's aggregate classification.
Comment: This variant is classified as likely benign based on ACMG/AMP sequence variant interpretation guidelines (Richards et al. 2015 PMID: 25741868, with internal and published modifications).

NM_001130987.2(DYSF):c.2484C>T (p.Pro828=)

Gene: DYSF (dysferlin; plus strand). Cytogenetic location: 2p13.2.
Variant type: single nucleotide variant.
Coding change: c.2484C>T on transcript NM_001130987.2 (MANE Select); coding-DNA position 2484, C replaced by T.
Protein change: p.Pro828=; no amino-acid change (proline 828 retained).
Molecular consequence: synonymous variant.
Genome position (GRCh38, 1-based): chr2:71,564,132, C>T. VCF-style: chr2-71564132-C-T. GRCh37 (hg19) VCF-style: chr2-71791262-C-T.
Other names: c.2433C>T, p.Pro811= (NM_001130455.2, NM_001130983.2); c.2388C>T, p.Pro796= (NM_001130976.2, NM_001130977.2); c.2430C>T, p.Pro810= (NM_001130978.2, NM_003494.4); c.2523C>T, p.Pro841= (NM_001130979.2); c.2481C>T, p.Pro827= (NM_001130980.2, NM_001130981.2); c.2526C>T, p.Pro842= (NM_001130982.2); c.2391C>T, p.Pro797= (NM_001130984.2, NM_001130986.2); c.2484C>T, p.Pro828= (NM_001130985.2).
Identifiers: ClinVar variation 510635 (VCV000510635.14), dbSNP rs143667543, ClinGen allele CA1706186.
Genomic context (GRCh38, chr2:71,564,132, plus strand): 5'-GCCGGACATCGTCATCTGGATGCTGCAGGGAGACAAGCGTGTGGCATACCAGCGGGTGCC[C>T]GCCCACCAAGTCCTCTTCTCCCGGCGGGGTGCCAACTACTGTGGCAAGAATTGTGGGAAG-3'
Protein context (NP_001124459.1, residues 818-838): GDKRVAYQRV[Pro828=]AHQVLFSRRG